The following is an entry in ClinVar:

ClinVar aggregate classification (germline): Likely benign (1 of 4 stars; one submission).

Allele frequency attached by ClinVar (database versions not stated): gnomAD exomes 0.00004; ExAC 0.00008; gnomAD 0.00001; TOPMed 0.00003.
gnomAD v4.1: 64 of 1,613,536 alleles (0.004%); highest among the groups gnomAD compares: South Asian, 0.016%; no homozygotes.

Submission:

Centre of Medical Genetics, University Hospital Muenster
Classification: Likely benign. Last evaluated: 2021-12-15. Review status: criteria provided, single submitter. Criteria: ACMG Guidelines, 2015. Collection method: clinical testing. Allele origin: unknown. Affected: yes. Observed: 1 variant allele, 1 heterozygote.
Comment: ACMG categories: PM2,PP3,BS3,BP8

NM_004184.4(WARS1):c.313+5G>A

Gene: WARS1 (tryptophanyl-tRNA synthetase 1; minus strand). Cytogenetic location: 14q32.2.
Variant type: single nucleotide variant.
Coding change: c.313+5G>A on transcript NM_004184.4 (MANE Select); 5 bases into the intron after coding-DNA position 313, G replaced by A.
Molecular consequence: intron variant.
Genome position (GRCh38, 1-based): chr14:100,361,703, C>T on the plus strand (G>A on the coding strand, the complement: WARS1 is on the minus strand). VCF-style: chr14-100361703-C-T. GRCh37 (hg19) VCF-style: chr14-100828040-C-T.
Other names: c.190+5G>A (NM_213645.2, NM_213646.2); c.313+5G>A (NM_173701.2).
Identifiers: ClinVar variation 1708442 (VCV001708442.2), dbSNP rs754416760, ClinGen allele CA7345334.